The following is an entry in ClinVar:

NM_024675.4(PALB2):c.574G>A (p.Val192Ile)

Gene: PALB2 (partner and localizer of BRCA2; minus strand). Cytogenetic location: 16p12.2.
Variant type: single nucleotide variant.
Coding change: c.574G>A on transcript NM_024675.4 (MANE Select); coding-DNA position 574, G replaced by A.
Protein change: p.Val192Ile; replaces valine 192 with isoleucine.
Molecular consequence: missense variant.
Genome position (GRCh38, 1-based): chr16:23,635,972, C>T on the plus strand (G>A on the coding strand, the complement: PALB2 is on the minus strand). VCF-style: chr16-23635972-C-T. GRCh37 (hg19) VCF-style: chr16-23647293-C-T.
Other names: c.514G>A, p.Val172Ile (NM_001407296.1); c.574G>A, p.Val192Ile (NM_001407297.1, NM_001407298.1, NM_001407299.1 and 3 more transcripts); c.-312G>A (NM_001407304.1, NM_001407305.1, NM_001407306.1 and 5 more transcripts); short protein forms V172I, V192I.
Identifiers: ClinVar variation 1749430 (VCV001749430.2), dbSNP rs2142440108, ClinGen allele CA395136789.
Genomic context (GRCh38, chr16:23,635,972, plus strand): 5'-GTTCTGGAGAATCTGGAAGTTCAGATTTAAGACTTAAAAGGTGAGTTCTTATTTCAGTTA[C>T]TGGTGATCTAGCAGGATTTTTGCTACTGATTTCTTCCTGTTCCTTTAGTCTTTTCCCAGA-3'
Protein context (NP_078951.2, residues 182-202): ISSKNPARSP[Val192Ile]TEIRTHLLSL

ClinVar aggregate classification (germline): Uncertain significance (1 of 4 stars; one submission).

Conditions:
Hereditary cancer-predisposing syndrome. Also called: Hereditary Cancer Syndrome; Hereditary neoplastic syndrome; Neoplastic Syndromes, Hereditary; Tumor predisposition. Identifiers: Orphanet 140162, MedGen C0027672, MeSH D009386, MONDO:0015356.

Submission:

Ambry Genetics
Classification: Uncertain significance for Hereditary cancer-predisposing syndrome. Last evaluated: 2021-05-10. Review status: criteria provided, single submitter. Criteria: Ambry Variant Classification Scheme 2023. Collection method: clinical testing. Allele origin: germline.
Comment: The p.V192I variant (also known as c.574G>A), located in coding exon 4 of the PALB2 gene, results from a G to A substitution at nucleotide position 574. The valine at codon 192 is replaced by isoleucine, an amino acid with highly similar properties. This amino acid position is poorly conserved in available vertebrate species. In addition, this alteration is predicted to be tolerated by in silico analysis. Since supporting evidence is limited at this time, the clinical significance of this alteration remains unclear.